The following is an entry in ClinVar:

ClinVar aggregate classification (germline): Conflicting classifications of pathogenicity. Review status: criteria provided, conflicting classifications (1 of 4 stars). 3 submissions from 3 submitters: Likely pathogenic (1); Uncertain significance (2). Last evaluated 2026-04-14.

Conditions:
ABCB11-related disorder. Also called: ABCB11-related condition.
Familial intrahepatic cholestasis. Identifiers: Orphanet 284385, MedGen CN296401, MONDO:0017290.
Progressive familial intrahepatic cholestasis type 2. Identifiers: Orphanet 79304, MedGen C3489789, MONDO:0011156, OMIM 601847.

gnomAD v4.1: 8 of 1,613,282 alleles (0.0005%); highest among the groups gnomAD compares: Non-Finnish European, 0.00068%; no homozygotes.

Submissions (3):

Genomenon, Inc
Classification: Uncertain significance for Familial intrahepatic cholestasis. Last evaluated: 2026-04-14. Review status: criteria provided, single submitter. Criteria: Genomenon Sequence Variant Interpretation Standards - Updated. Collection method: curation. Allele origin: germline. Affected: yes.
Comment: ABCB11 p.Gly327Glu (c.980G>A) is a missense variant that changes the amino acid at residue 327 from Glycine to Glutamic acid. This variant has been observed in at least one proband with an ABCB11-related disorder (PMID:18395098). At least one splicing study demonstrated no effect on splicing (PMID:19101985). It is absent or not present at a significant frequency in gnomAD. In silico models predict that this variant is possibly or probably damaging. In conclusion, we classify ABCB11 p.Gly327Glu (c.980G>A) as a variant of uncertain significance.

Broad Center for Mendelian Genomics, Broad Institute of MIT and Harvard
Classification: Uncertain significance for Progressive familial intrahepatic cholestasis type 2. Last evaluated: 2025-01-29. Review status: criteria provided, single submitter. Criteria: ACMG Guidelines, 2015. Collection method: curation. Allele origin: germline. Inheritance: Autosomal recessive inheritance.
Comment: The p.Gly327Glu variant in ABCB11 has been reported in one individual with BSEP deficiency (PMID: 18395098), and has been identified in 0.0007% (8/1179596) of European (non-Finnish) chromosomes by the Genome Aggregation Database (gnomAD; dbSNP ID: rs773036125). Although this variant has been seen in the general population in a heterozygous state, its frequency is low enough to be consistent with a recessive carrier frequency. Computational prediction tools and conservation analyses suggest that this variant may impact the protein, though this information is not predictive enough to determine pathogenicity. In summary, the clinical significance of the p.Gly327Glu variant is uncertain. ACMG/AMP Criteria applied: PP3_moderate, PM2_supporting (Richards 2015).

Blueprint Genetics
Classification: Likely pathogenic for ABCB11-related disorders. Last evaluated: 2019-12-19. Review status: criteria provided, single submitter. Criteria: ACMG Guidelines, 2015. Collection method: clinical testing. Allele origin: germline. Affected: yes. Observed: 2 variant alleles.

Literature cited by the submitters: PubMed 18395098 (cited by Genomenon, Inc); PubMed 19101985 (cited by Genomenon, Inc).

NM_003742.4(ABCB11):c.980G>A (p.Gly327Glu)

Gene: ABCB11 (ATP binding cassette subfamily B member 11; minus strand). Cytogenetic location: 2q31.1.
Variant type: single nucleotide variant.
Coding change: c.980G>A on transcript NM_003742.4 (MANE Select); coding-DNA position 980, G replaced by A.
Protein change: p.Gly327Glu; replaces glycine 327 with glutamic acid.
Molecular consequence: missense variant.
Genome position (GRCh38, 1-based): chr2:168,986,213, C>T on the plus strand (G>A on the coding strand, the complement: ABCB11 is on the minus strand). VCF-style: chr2-168986213-C-T. GRCh37 (hg19) VCF-style: chr2-169842723-C-T.
Other names: NM_003742.4:c.980G>A; short protein forms G327E.
Identifiers: ClinVar variation 3776871 (VCV003776871.3).
Genomic context (GRCh38, chr2:168,986,213, plus strand): 5'-AGTGTGGAGCCGTACCAGAAGGCCAGTGCATAACACAAAAAGATGAGACACCACACGAAT[C>T]CAGTAAAGAATCCCATCACTATTCCTTTTCTAATTCCCCAACGCTGGGCGAACACAAGAT-3'
Protein context (NP_003733.2, residues 317-337): RKGIVMGFFT[Gly327Glu]FVWCLIFLCY